The following is an entry in ClinVar:

ClinVar aggregate classification (germline): Uncertain significance (1 of 4 stars; one submission).

Conditions:
Deficiency of malonyl-CoA decarboxylase. Also called: Malonic aciduria; MCD deficiency. Identifiers: Orphanet 943, MedGen C0342793, MONDO:0009556, OMIM 248360.

Allele frequency attached by ClinVar (database versions not stated): gnomAD 0.00001; ExAC 0.00008.
gnomAD v4.1: 11 of 1,516,846 alleles (0.00073%); highest among the groups gnomAD compares: South Asian, 0.013%; no homozygotes.

Submission:

Labcorp Genetics (formerly Invitae), Labcorp
Classification: Uncertain significance for Deficiency of malonyl-CoA decarboxylase. Last evaluated: 2022-08-10. Review status: criteria provided, single submitter. Criteria: Invitae Variant Classification Sherloc (09022015). Collection method: clinical testing. Allele origin: germline.
Comment: This sequence change replaces glycine, which is neutral and non-polar, with aspartic acid, which is acidic and polar, at codon 66 of the MLYCD protein (p.Gly66Asp). The frequency data for this variant in the population databases is considered unreliable, as metrics indicate poor data quality at this position in the gnomAD database. This variant has not been reported in the literature in individuals affected with MLYCD-related conditions. Algorithms developed to predict the effect of missense changes on protein structure and function (SIFT, PolyPhen-2, Align-GVGD) all suggest that this variant is likely to be tolerated. In summary, the available evidence is currently insufficient to determine the role of this variant in disease. Therefore, it has been classified as a Variant of Uncertain Significance.

NM_012213.3(MLYCD):c.197G>A (p.Gly66Asp)

Gene: MLYCD (malonyl-CoA decarboxylase; plus strand). Cytogenetic location: 16q23.3.
Variant type: single nucleotide variant.
Coding change: c.197G>A on transcript NM_012213.3 (MANE Select); coding-DNA position 197, G replaced by A.
Protein change: p.Gly66Asp; replaces glycine 66 with aspartic acid.
Molecular consequence: missense variant.
Genome position (GRCh38, 1-based): chr16:83,899,341, G>A. VCF-style: chr16-83899341-G-A. GRCh37 (hg19) VCF-style: chr16-83932946-G-A.
Other names: short protein forms G66D.
Identifiers: ClinVar variation 1936646 (VCV001936646.2), dbSNP rs758291789, ClinGen allele CA8197178.